The following is an entry in ClinVar:

ClinVar aggregate classification (germline): Likely pathogenic (1 of 4 stars; one submission).

Conditions:
Joubert syndrome and related disorders. Identifiers: Orphanet 140874, MedGen C5679612, MONDO:0015369.

Submission:

Women's Health and Genetics/Laboratory Corporation of America, LabCorp
Classification: Likely pathogenic for Joubert syndrome and related disorders. Last evaluated: 2022-09-02. Review status: criteria provided, single submitter. Criteria: LabCorp Variant Classification Summary - May 2015. Collection method: clinical testing. Allele origin: germline.
Comment: Variant summary: The variant identified by MLPA or other technology involves the deletion of exons 1-14 in the TCTN2 gene. A presumed nomenclature of c.(?_-129)_(1612+1_1613-1)del has been designated for the purposes of this classification. The variant was absent in 21006 control chromosomes (gnomAD, Structural Variants dataset). To our knowledge, no occurrence of c.(?_-129)_(1612+1_1613-1)del in individuals affected with Joubert Syndrome And Related Disorders and no experimental evidence demonstrating its impact on protein function have been reported. No clinical diagnostic laboratories have submitted clinical-significance assessments for this variant to ClinVar after 2014. Based on the evidence outlined above, the variant was classified as likely pathogenic.

NC_000012.11:g.(?_124155659)_(124184358_124189078)del

Gene: TCTN2 (tectonic family member 2; plus strand). Cytogenetic location: 12q24.31.
Variant type: Deletion.
Identifiers: ClinVar variation 1722459 (VCV001722459.1).